The following is an entry in ClinVar:

ClinVar aggregate classification (germline): Uncertain significance (1 of 4 stars; one submission).

Submission:

Ambry Genetics
Classification: Uncertain significance. Last evaluated: 2023-02-28. Review status: criteria provided, single submitter. Criteria: Ambry Variant Classification Scheme 2023. Collection method: clinical testing. Allele origin: germline.
Comment: The p.S729P variant (also known as c.2185T>C), located in coding exon 13 of the NPAT gene, results from a T to C substitution at nucleotide position 2185. The serine at codon 729 is replaced by proline, an amino acid with similar properties. This amino acid position is conserved. In addition, this alteration is predicted to be tolerated by in silico analysis. Since supporting evidence is limited at this time, the clinical significance of this alteration remains unclear.

NM_002519.3(NPAT):c.2185T>C (p.Ser729Pro)

Gene: NPAT (nuclear protein, coactivator of histone transcription; minus strand). Cytogenetic location: 11q22.3.
Variant type: single nucleotide variant.
Coding change: c.2185T>C on transcript NM_002519.3 (MANE Select); coding-DNA position 2185, T replaced by C.
Protein change: p.Ser729Pro; replaces serine 729 with proline.
Molecular consequence: missense variant.
Genome position (GRCh38, 1-based): chr11:108,172,799, A>G on the plus strand (T>C on the coding strand, the complement: NPAT is on the minus strand). VCF-style: chr11-108172799-A-G. GRCh37 (hg19) VCF-style: chr11-108043526-A-G.
Other names: c.2185T>C, p.Ser729Pro (NM_001321307.1); short protein forms S729P.
Identifiers: ClinVar variation 2453807 (VCV002453807.2), dbSNP rs766888217, ClinGen allele CA382513504.